The following is an entry in ClinVar:

ClinVar aggregate classification (germline): Uncertain significance (1 of 4 stars; one submission).

Allele frequency attached by ClinVar (database versions not stated): gnomAD exomes 0.00001.
gnomAD v4.1: 5 of 1,559,668 alleles (0.00032%); highest among the groups gnomAD compares: East Asian, 0.012%; no homozygotes.

Submission:

Labcorp Genetics (formerly Invitae), Labcorp
Classification: Uncertain significance. Last evaluated: 2022-05-04. Review status: criteria provided, single submitter. Criteria: Invitae Variant Classification Sherloc (09022015). Collection method: clinical testing. Allele origin: germline.
Comment: In summary, the available evidence is currently insufficient to determine the role of this variant in disease. Therefore, it has been classified as a Variant of Uncertain Significance. Algorithms developed to predict the effect of sequence changes on RNA splicing suggest that this variant may create or strengthen a splice site. This variant has not been reported in the literature in individuals affected with ACAN-related conditions. This variant is not present in population databases (gnomAD no frequency). This sequence change falls in intron 8 of the ACAN gene. It does not directly change the encoded amino acid sequence of the ACAN protein.

NM_001369268.1(ACAN):c.1604+9A>G

Gene: ACAN (aggrecan; plus strand). Cytogenetic location: 15q26.1.
Variant type: single nucleotide variant.
Coding change: c.1604+9A>G on transcript NM_001369268.1 (MANE Select); 9 bases into the intron after coding-DNA position 1604, A replaced by G.
Molecular consequence: intron variant.
Genome position (GRCh38, 1-based): chr15:88,847,426, A>G. VCF-style: chr15-88847426-A-G. GRCh37 (hg19) VCF-style: chr15-89390657-A-G.
Other names: c.1604+9A>G (NM_013227.4, NM_001135.4).
Identifiers: ClinVar variation 2133344 (VCV002133344.4), dbSNP rs1405371960, ClinGen allele CA716871564.